The following is an entry in ClinVar:

NM_000059.4(BRCA2):c.8233C>G (p.Leu2745Val)

Gene: BRCA2 (BRCA2 DNA repair associated; plus strand). Cytogenetic location: 13q13.1.
Variant type: single nucleotide variant.
Coding change: c.8233C>G on transcript NM_000059.4 (MANE Select); coding-DNA position 8233, C replaced by G.
Protein change: p.Leu2745Val; replaces leucine 2745 with valine.
Molecular consequence: missense variant.
Genome position (GRCh38, 1-based): chr13:32,363,435, C>G. VCF-style: chr13-32363435-C-G. GRCh37 (hg19) VCF-style: chr13-32937572-C-G.
Other names: short protein forms L2745V.
Identifiers: ClinVar variation 184870 (VCV000184870.12), dbSNP rs786201752, ClinGen allele CA025530.

ClinVar aggregate classification (germline): Conflicting classifications of pathogenicity. Review status: criteria provided, conflicting classifications (1 of 4 stars). 3 submissions from 3 submitters: Uncertain significance (2); Likely benign (1). Last evaluated 2025-08-10.

Conditions:
Hereditary cancer-predisposing syndrome. Also called: Hereditary neoplastic syndrome; Neoplastic Syndromes, Hereditary; Tumor predisposition; Hereditary Cancer Syndrome. Identifiers: Orphanet 140162, MedGen C0027672, MeSH D009386, MONDO:0015356.
Hereditary breast ovarian cancer syndrome. Also called: Hereditary breast and ovarian cancer syndrome (HBOC); Breast and ovarian cancer; Hereditary breast and/or ovarian cancer syndrome; BRCA1- and BRCA2-Associated Hereditary Breast and Ovarian Cancer; Hereditary breast and ovarian cancer syndrome; Hereditary breast and ovarian cancer. Identifiers: Orphanet 145, MedGen C0677776, MeSH D061325, MONDO:0003582. Disease mechanism: loss of function.

Submissions (3):

Labcorp Genetics (formerly Invitae), Labcorp
Classification: Uncertain significance for Hereditary breast ovarian cancer syndrome. Last evaluated: 2025-08-10. Review status: criteria provided, single submitter. Criteria: Invitae Variant Classification Sherloc (09022015). Collection method: clinical testing. Allele origin: germline.
Comment: This sequence change replaces leucine, which is neutral and non-polar, with valine, which is neutral and non-polar, at codon 2745 of the BRCA2 protein (p.Leu2745Val). This variant is not present in population databases (gnomAD no frequency). This variant has not been reported in the literature in individuals affected with BRCA2-related conditions. ClinVar contains an entry for this variant (Variation ID: 184870). Invitae Evidence Modeling incorporating data from in vitro experimental studies (PMID: 33609447) indicates that this missense variant is not expected to disrupt BRCA2 function with a negative predictive value of 95%. In summary, the available evidence is currently insufficient to determine the role of this variant in disease. Therefore, it has been classified as a Variant of Uncertain Significance.

Ambry Genetics
Classification: Likely benign for Hereditary cancer-predisposing syndrome. Last evaluated: 2019-12-06. Review status: criteria provided, single submitter. Criteria: Ambry Variant Classification Scheme 2023. Collection method: clinical testing. Allele origin: germline.

Color Diagnostics, LLC DBA Color Health
Classification: Uncertain significance for Hereditary cancer-predisposing syndrome. Last evaluated: 2019-04-13. Review status: criteria provided, single submitter. Criteria: ACMG Guidelines, 2015. Collection method: clinical testing. Allele origin: germline.

Literature cited by the submitters: PubMed 33609447 (cited by Labcorp Genetics (formerly Invitae), Labcorp); PubMed 29884841 (cited by Ambry Genetics).